The following is an entry in ClinVar:

NM_001349.4(DARS1):c.583G>A (p.Val195Ile)

Gene: DARS1 (aspartyl-tRNA synthetase 1; minus strand). Cytogenetic location: 2q21.3.
Variant type: single nucleotide variant.
Coding change: c.583G>A on transcript NM_001349.4 (MANE Select); coding-DNA position 583, G replaced by A.
Protein change: p.Val195Ile; replaces valine 195 with isoleucine.
Molecular consequence: missense variant.
Genome position (GRCh38, 1-based): chr2:135,924,480, C>T on the plus strand (G>A on the coding strand, the complement: DARS1 is on the minus strand). VCF-style: chr2-135924480-C-T. GRCh37 (hg19) VCF-style: chr2-136682050-C-T.
Other names: c.283G>A, p.Val95Ile (NM_001293312.1); short protein forms V195I, V95I.
Identifiers: ClinVar variation 2428329 (VCV002428329.6), dbSNP rs1482464124, ClinGen allele CA348652001.

ClinVar aggregate classification (germline): Uncertain significance (1 of 4 stars; one submission).

Allele frequency attached by ClinVar (database versions not stated): gnomAD exomes 0.00001; TOPMed 0.00001.
gnomAD v4.1: 15 of 1,606,000 alleles (0.00093%); highest among the groups gnomAD compares: Non-Finnish European, 0.0012%; no homozygotes.

Submission:

Labcorp Genetics (formerly Invitae), Labcorp
Classification: Uncertain significance. Last evaluated: 2022-03-09. Review status: criteria provided, single submitter. Criteria: Invitae Variant Classification Sherloc (09022015). Collection method: clinical testing. Allele origin: germline.
Comment: This sequence change replaces valine, which is neutral and non-polar, with isoleucine, which is neutral and non-polar, at codon 195 of the DARS protein (p.Val195Ile). The frequency data for this variant in the population databases is considered unreliable, as metrics indicate poor data quality at this position in the gnomAD database. This variant has not been reported in the literature in individuals affected with DARS-related conditions. Algorithms developed to predict the effect of missense changes on protein structure and function output the following: SIFT: "Tolerated"; PolyPhen-2: "Benign"; Align-GVGD: "Class C0". The isoleucine amino acid residue is found in multiple mammalian species, which suggests that this missense change does not adversely affect protein function. In summary, the available evidence is currently insufficient to determine the role of this variant in disease. Therefore, it has been classified as a Variant of Uncertain Significance.